The following is an entry in ClinVar:

ClinVar aggregate classification (germline): Uncertain significance (1 of 4 stars; one submission).

Conditions:
Sengers syndrome. Also called: MITOCHONDRIAL DNA DEPLETION SYNDROME 10 (CARDIOMYOPATHIC TYPE); Cardiomyopathy and cataract. Identifiers: Orphanet 1369, MedGen C1859317, MONDO:0008922, OMIM 212350.
Cataract 38. Also called: Cataract, autosomal recessive congenital 5; Cataract 38, autosomal recessive. Identifiers: Orphanet 91492, MedGen C3553494, MONDO:0013859, OMIM 614691.

Allele frequency attached by ClinVar (database versions not stated): gnomAD exomes below 0.00001.
gnomAD v4.1: 2 of 1,614,070 alleles (0.00012%); highest among the groups gnomAD compares: Admixed American, 0.0017%; no homozygotes.

Submission:

Labcorp Genetics (formerly Invitae), Labcorp
Classification: Uncertain significance for Sengers syndrome; Cataract 38. Last evaluated: 2022-08-22. Review status: criteria provided, single submitter. Criteria: Invitae Variant Classification Sherloc (09022015). Collection method: clinical testing. Allele origin: germline.
Comment: This sequence change replaces alanine, which is neutral and non-polar, with valine, which is neutral and non-polar, at codon 58 of the AGK protein (p.Ala58Val). This variant is present in population databases (no rsID available, gnomAD 0.003%). This variant has not been reported in the literature in individuals affected with AGK-related conditions. Algorithms developed to predict the effect of missense changes on protein structure and function (SIFT, PolyPhen-2, Align-GVGD) all suggest that this variant is likely to be tolerated. In summary, the available evidence is currently insufficient to determine the role of this variant in disease. Therefore, it has been classified as a Variant of Uncertain Significance.

NM_018238.4(AGK):c.173C>T (p.Ala58Val)

Gene: AGK (acylglycerol kinase; plus strand). Cytogenetic location: 7q34.
Variant type: single nucleotide variant.
Coding change: c.173C>T on transcript NM_018238.4 (MANE Select); coding-DNA position 173, C replaced by T.
Protein change: p.Ala58Val; replaces alanine 58 with valine.
Molecular consequence: missense variant.
Genome position (GRCh38, 1-based): chr7:141,596,593, C>T. VCF-style: chr7-141596593-C-T. GRCh37 (hg19) VCF-style: chr7-141296393-C-T.
Other names: c.173C>T, p.Ala58Val (NM_001364948.3); short protein forms A58V.
Identifiers: ClinVar variation 1717273 (VCV001717273.3), dbSNP rs1287612321, ClinGen allele CA369546006.